The following is an entry in ClinVar:

NM_002474.3(MYH11):c.429G>T (p.Lys143Asn)

Gene: MYH11 (myosin heavy chain 11; minus strand). Cytogenetic location: 16p13.11.
Variant type: single nucleotide variant.
Coding change: c.429G>T on transcript NM_002474.3 (MANE Select); coding-DNA position 429, G replaced by T.
Protein change: p.Lys143Asn; replaces lysine 143 with asparagine.
Molecular consequence: missense variant.
Genome position (GRCh38, 1-based): chr16:15,823,328, C>A on the plus strand (G>T on the coding strand, the complement: MYH11 is on the minus strand). VCF-style: chr16-15823328-C-A. GRCh37 (hg19) VCF-style: chr16-15917185-C-A.
Other names: c.429G>T, p.Lys143Asn (NM_001040113.2, NM_001040114.2, NM_022844.3); short protein forms K143N.
Identifiers: ClinVar variation 2773880 (VCV002773880.2), dbSNP rs200672270, ClinGen allele CA7923050.

ClinVar aggregate classification (germline): Uncertain significance (1 of 4 stars; one submission).

Conditions:
Familial thoracic aortic aneurysm and aortic dissection (TAAD). Also called: Thoracic aortic aneurysms and dissections. Identifiers: Orphanet 91387, MedGen C4707243, MONDO:0019625.

gnomAD v4.1: 6 of 1,614,192 alleles (0.00037%); highest among the groups gnomAD compares: Non-Finnish European, 0.00051%; no homozygotes.

Submission:

Color Diagnostics, LLC DBA Color Health
Classification: Uncertain significance for Familial thoracic aortic aneurysm and aortic dissection. Last evaluated: 2025-02-16. Review status: criteria provided, single submitter. Criteria: ACMG Guidelines, 2015. Collection method: clinical testing. Allele origin: germline.
Comment: This missense variant replaces lysine with asparagine at codon 143 of the MYH11 protein. Computational prediction suggests that this variant may have deleterious impact on protein structure and function (internally defined REVEL score threshold >= 0.7, PMID: 27666373). To our knowledge, functional studies have not been reported for this variant. This variant has not been reported in individuals affected with MYH11-related disorders in the literature. This variant has been identified in 1/251490 chromosomes in the general population by the Genome Aggregation Database (gnomAD). The available evidence is insufficient to determine the role of this variant in disease conclusively. Therefore, this variant is classified as a Variant of Uncertain Significance.